The following is an entry in ClinVar:

ClinVar aggregate classification (germline): Uncertain significance (1 of 4 stars; one submission).

Conditions:
Multiple congenital anomalies-hypotonia-seizures syndrome 2 (MCAHS2). Also called: EPILEPTIC ENCEPHALOPATHY, EARLY INFANTILE, 20; GLYCOSYLPHOSPHATIDYLINOSITOL BIOSYNTHESIS DEFECT 4. Identifiers: Orphanet 300496, MedGen C3275508, MONDO:0010466, OMIM 300868.

Submission:

Illumina Laboratory Services, Illumina
Classification: Uncertain significance for Multiple congenital anomalies-hypotonia-seizures syndrome 2. Last evaluated: 2020-06-10. Review status: criteria provided, single submitter. Criteria: ICSLVariantClassificationCriteria RUGD 01 April 2020. Collection method: clinical testing. Allele origin: unknown.
Comment: The PIGA c.981+4A>G variant is a splice region variant that may result in the loss of a splice donor site. A literature search was performed for the gene and cDNA change. No publications were found based on this search. This variant is not found in the Genome Aggregation Database in a region of acceptable sequencing coverage, so the variant is presumed to be rare. Based on the limited evidence, the c.981+4A>G variant is classified as a variant of uncertain significance for multiple congenital anomalies-hypotonia-seizures syndrome 2.

NM_002641.4(PIGA):c.981+4A>G

Gene: PIGA (phosphatidylinositol glycan anchor biosynthesis class A; minus strand). Cytogenetic location: Xp22.2.
Variant type: single nucleotide variant.
Coding change: c.981+4A>G on transcript NM_002641.4 (MANE Select); 4 bases into the intron after coding-DNA position 981, A replaced by G.
Molecular consequence: intron variant.
Genome position (GRCh38, 1-based): chrX:15,325,016, T>C on the plus strand (A>G on the coding strand, the complement: PIGA is on the minus strand). VCF-style: chrX-15325016-T-C. GRCh37 (hg19) VCF-style: chrX-15343138-T-C.
Other names: c.279+4A>G (NM_020473.3).
Identifiers: ClinVar variation 989286 (VCV000989286.4), dbSNP rs1921929282, ClinGen allele CA1139667253.
Genomic context (GRCh38, chrX:15,325,016, plus strand): 5'-TGTGTCTCATTATTTTTCAAAATACACAGAAATCCCAACCATGAATGCCCTCAAAGCTTT[T>C]TACCTGTAAACCACAACTGGCTGCTTCCACGATCGCCATGCAGAATGCTTCAGTAAGGGA-3'